The following is an entry in ClinVar:

NM_015450.3(POT1):c.1006+4A>G

Gene: POT1 (protection of telomeres 1; minus strand). Cytogenetic location: 7q31.33.
Variant type: single nucleotide variant.
Coding change: c.1006+4A>G on transcript NM_015450.3 (MANE Select); 4 bases into the intron after coding-DNA position 1006, A replaced by G.
Molecular consequence: intron variant.
Genome position (GRCh38, 1-based): chr7:124,846,938, T>C on the plus strand (A>G on the coding strand, the complement: POT1 is on the minus strand). VCF-style: chr7-124846938-T-C. GRCh37 (hg19) VCF-style: chr7-124486992-T-C.
Other names: c.613+4A>G (NM_001042594.2).
Identifiers: ClinVar variation 961100 (VCV000961100.10), dbSNP rs1795183590, ClinGen allele CA1139660246.

ClinVar aggregate classification (germline): Uncertain significance. Review status: criteria provided, multiple submitters, no conflicts (2 of 4 stars). 2 submissions from 2 submitters: Uncertain significance (2). Last evaluated 2025-12-22.

Conditions:
Tumor predisposition syndrome 3 (TPDS3). Also called: Melanoma, cutaneous malignant, susceptibility to, 10; Glioma susceptibility 9; LONG TELOMERE SYNDROME, POT1-RELATED; POT1 Tumor Predisposition. Identifiers: Orphanet 618, MedGen C4014476, MONDO:0014368, OMIM 615848.

Submissions (2):

Dasa
Classification: Uncertain significance. Last evaluated: 2025-12-22. Review status: criteria provided, single submitter. Criteria: DASA Assertion Criteria. Collection method: clinical testing. Allele origin: germline.
Comment: NM_015450.3(POT1):c.1006+4A>G is a splice-region variant predicted to affect normal RNA splicing. This variant is absent from population databases. Computational prediction algorithms are consistent with a deleterious effect. The currently available literature and clinical evidence are not sufficient to establish a definitive association between this variant and the reported condition. Therefore, this variant is classified as a variant of uncertain significance.

Labcorp Genetics (formerly Invitae), Labcorp
Classification: Uncertain significance for Tumor predisposition syndrome 3. Last evaluated: 2023-03-03. Review status: criteria provided, single submitter. Criteria: Invitae Variant Classification Sherloc (09022015). Collection method: clinical testing. Allele origin: germline.
Comment: In summary, the available evidence is currently insufficient to determine the role of this variant in disease. Therefore, it has been classified as a Variant of Uncertain Significance. Variants that disrupt the consensus splice site are a relatively common cause of aberrant splicing (PMID: 17576681, 9536098). Algorithms developed to predict the effect of sequence changes on RNA splicing suggest that this variant may disrupt the consensus splice site. ClinVar contains an entry for this variant (Variation ID: 961100). This variant has not been reported in the literature in individuals affected with POT1-related conditions. This variant is not present in population databases (gnomAD no frequency). This sequence change falls in intron 12 of the POT1 gene. It does not directly change the encoded amino acid sequence of the POT1 protein. It affects a nucleotide within the consensus splice site.

Literature cited by the submitters: PubMed 17576681 (cited by Labcorp Genetics (formerly Invitae), Labcorp); PubMed 9536098 (cited by Labcorp Genetics (formerly Invitae), Labcorp).